The following is an entry in ClinVar:

NM_001267550.2(TTN):c.35386+3A>C

Gene: TTN (titin; minus strand). Cytogenetic location: 2q31.2.
Variant type: single nucleotide variant.
Coding change: c.35386+3A>C on transcript NM_001267550.2 (MANE Select); 3 bases into the intron after coding-DNA position 35386, A replaced by C.
Molecular consequence: intron variant.
Genome position (GRCh38, 1-based): chr2:178,670,215, T>G on the plus strand (A>C on the coding strand, the complement: TTN is on the minus strand). VCF-style: chr2-178670215-T-G. GRCh37 (hg19) VCF-style: chr2-179534942-T-G.
Other names: c.13283-27898A>C (NM_003319.4); c.13859-27898A>C (NM_133437.4); c.13658-27898A>C (NM_133432.3); c.31483+3A>C (NM_133378.4); c.34264+3A>C (NM_001256850.1).
Identifiers: ClinVar variation 3760071 (VCV003760071.3).

ClinVar aggregate classification (germline): Uncertain significance. Review status: criteria provided, multiple submitters, no conflicts (2 of 4 stars). 2 submissions from 2 submitters: Uncertain significance (2). Last evaluated 2025-05-15.

Conditions:
Dilated cardiomyopathy 1G (CMD1G). Identifiers: Orphanet 154, MedGen C1858763, MONDO:0011400, OMIM 604145.
Autosomal recessive limb-girdle muscular dystrophy type 2J (LGMDR10). Also called: Limb-girdle muscular dystrophy, type 2J; MUSCULAR DYSTROPHY, LIMB-GIRDLE, AUTOSOMAL RECESSIVE 10. Identifiers: Orphanet 140922, MedGen C1837342, MONDO:0012127, OMIM 608807.

Submissions (2):

GeneDx
Classification: Uncertain significance. Last evaluated: 2025-05-15. Review status: criteria provided, single submitter. Criteria: GeneDx Variant Classification Process June 2021. Collection method: clinical testing. Allele origin: germline. Affected: yes.
Comment: Not observed at significant frequency in large population cohorts (gnomAD); In silico analysis suggests that this variant does not alter splicing; Has not been previously published as pathogenic or benign to our knowledge

Labcorp Genetics (formerly Invitae), Labcorp
Classification: Uncertain significance for Dilated cardiomyopathy 1G; Autosomal recessive limb-girdle muscular dystrophy type 2J. Last evaluated: 2025-01-16. Review status: criteria provided, single submitter. Criteria: Invitae Variant Classification Sherloc (09022015). Collection method: clinical testing. Allele origin: germline.
Comment: This sequence change falls in intron 157 of the TTN gene. It does not directly change the encoded amino acid sequence of the TTN protein. It affects a nucleotide within the consensus splice site. This variant is not present in population databases (gnomAD no frequency). This variant has not been reported in the literature in individuals affected with TTN-related conditions. Variants that disrupt the consensus splice site are a relatively common cause of aberrant splicing (PMID: 17576681, 9536098). Algorithms developed to predict the effect of sequence changes on RNA splicing suggest that this variant may disrupt the consensus splice site. This variant is located in the I band of TTN (PMID: 25589632). Non-truncating variants in this region may be clinically relevant, but have not been definitively shown to cause cardiomyopathy or neuromuscular disease (PMID: 27493940, 32778822). In summary, the available evidence is currently insufficient to determine the role of this variant in disease. Therefore, it has been classified as a Variant of Uncertain Significance.

Literature cited by the submitters: PubMed 17576681 (cited by Labcorp Genetics (formerly Invitae), Labcorp); PubMed 9536098 (cited by Labcorp Genetics (formerly Invitae), Labcorp); PubMed 25589632 (cited by Labcorp Genetics (formerly Invitae), Labcorp); PubMed 27493940 (cited by Labcorp Genetics (formerly Invitae), Labcorp); PubMed 32778822 (cited by Labcorp Genetics (formerly Invitae), Labcorp).